The following is an entry in ClinVar:

ClinVar aggregate classification (germline): Likely benign. Review status: criteria provided, single submitter (1 of 4 stars). 2 submissions from 2 submitters: Likely benign (1). 1 of the submissions does not count toward it. Last evaluated 2024-10-28.

Conditions:
TERF2-related disorder. Also called: TERF2-related condition.

Allele frequency attached by ClinVar (database versions not stated): TOPMed 0.00002.
gnomAD v4.1: 32 of 1,614,060 alleles (0.002%); highest among the groups gnomAD compares: East Asian, 0.0045%; no homozygotes.

Submissions (2):

Blueprint Genetics
Classification: Likely benign. Last evaluated: 2024-10-28. Review status: criteria provided, single submitter. Criteria: ACMG Guidelines, 2015. Collection method: clinical testing. Allele origin: germline.

PreventionGenetics, part of Exact Sciences
Classification: Likely benign for TERF2-related condition. Last evaluated: 2019-02-22. Review status: no assertion criteria provided. Collection method: clinical testing. Allele origin: germline. Not counted in ClinVar's aggregate classification.
Comment: This variant is classified as likely benign based on ACMG/AMP sequence variant interpretation guidelines (Richards et al. 2015 PMID: 25741868, with internal and published modifications).

NM_005652.5(TERF2):c.504C>T (p.Leu168=)

Gene: TERF2 (telomeric repeat binding factor 2; minus strand). Cytogenetic location: 16q22.1.
Variant type: single nucleotide variant.
Coding change: c.504C>T on transcript NM_005652.5 (MANE Select); coding-DNA position 504, C replaced by T.
Protein change: p.Leu168=; no amino-acid change (leucine 168 retained).
Molecular consequence: synonymous variant.
Genome position (GRCh38, 1-based): chr16:69,384,682, G>A on the plus strand (C>T on the coding strand, the complement: TERF2 is on the minus strand). VCF-style: chr16-69384682-G-A. GRCh37 (hg19) VCF-style: chr16-69418585-G-A.
Identifiers: ClinVar variation 3047808 (VCV003047808.3), dbSNP rs996291216, ClinGen allele CA283332489.